The following is an entry in ClinVar:

NM_001372.4(DNAH9):c.1747A>G (p.Met583Val)

Gene: DNAH9 (dynein axonemal heavy chain 9; plus strand). Cytogenetic location: 17p12.
Variant type: single nucleotide variant.
Coding change: c.1747A>G on transcript NM_001372.4 (MANE Select); coding-DNA position 1747, A replaced by G.
Protein change: p.Met583Val; replaces methionine 583 with valine.
Molecular consequence: missense variant.
Genome position (GRCh38, 1-based): chr17:11,636,745, A>G. VCF-style: chr17-11636745-A-G. GRCh37 (hg19) VCF-style: chr17-11540062-A-G.
Other names: short protein forms M583V.
Identifiers: ClinVar variation 1585019 (VCV001585019.10), dbSNP rs534432763, ClinGen allele CA8394953.

ClinVar aggregate classification (germline): Benign/Likely benign. Review status: criteria provided, multiple submitters, no conflicts (2 of 4 stars). 3 submissions from 3 submitters: Benign (2); Likely benign (1). Last evaluated 2026-07-01.

Allele frequency attached by ClinVar (database versions not stated): gnomAD 0.00001 and 0.00037; TOPMed 0.00009; gnomAD exomes 0.00068 and 0.00139; 1000 Genomes Project 30x 0.00141; 1000 Genomes Project 0.00160; ExAC 0.00164.
gnomAD v4.1: 1,052 of 1,614,144 alleles (0.065%); highest among the groups gnomAD compares: South Asian, 1.1%; 15 homozygotes.

Submissions (3):

CeGaT Center for Human Genetics Tuebingen
Classification: Benign. Last evaluated: 2026-07-01. Review status: criteria provided, single submitter. Criteria: CeGaT Center For Human Genetics Tuebingen Variant Classification Criteria Version 2. Collection method: clinical testing. Allele origin: germline. Affected: yes. Observed: 1 variant allele.
Comment: DNAH9: BP4, BS1, BS2

Labcorp Genetics (formerly Invitae), Labcorp
Classification: Benign. Last evaluated: 2025-12-02. Review status: criteria provided, single submitter. Criteria: Invitae Variant Classification Sherloc (09022015). Collection method: clinical testing. Allele origin: germline.

Blueprint Genetics
Classification: Likely benign. Last evaluated: 2024-11-18. Review status: criteria provided, single submitter. Criteria: ACMG Guidelines, 2015. Collection method: clinical testing. Allele origin: germline.